The following is an entry in ClinVar:

NM_033132.5(ZIC5):c.1155GCC[11] (p.Pro400del)

Gene: ZIC5 (Zic family member 5; minus strand). Cytogenetic location: 13q32.3.
Variant type: Microsatellite.
Coding change: c.1155GCC[11] on transcript NM_033132.5 (MANE Select); 11 copies in a row of the 3-base unit GCC starting at c.1155; the reference has 12 copies in a row; one copy, 3 bases deleted.
Protein change: p.Pro400del; deletes proline 400.
Molecular consequence: inframe deletion. On other transcripts: non-coding transcript variant (1).
Genome position (GRCh38, 1-based): chr13:99,970,414-99,970,416, GGC deleted on the plus strand (GCC on the coding strand, the reverse complement: ZIC5 is on the minus strand); deleting any 3 consecutive bases within chr13:99,970,414-99,970,449 gives the same sequence; the position shown is the placement nearest the transcript's 3' end. VCF-style (leftmost placement, unchanged base first): chr13-99970413-TGGC-T. GRCh37 (hg19) VCF-style: chr13-100622667-TGGC-T.
Other names: c.1260_1262del (NM_033132.3); short protein forms P400del.
Identifiers: ClinVar variation 403621 (VCV000403621.8), dbSNP rs71114653, ClinGen allele CA7032581.

ClinVar aggregate classification (germline): Benign. Review status: criteria provided, multiple submitters, no conflicts (2 of 4 stars). 2 submissions from 2 submitters: Benign (2). Last evaluated 2019-12-31.

Submissions (2):

Labcorp Genetics (formerly Invitae), Labcorp
Classification: Benign. Last evaluated: 2019-12-31. Review status: criteria provided, single submitter. Criteria: Invitae Variant Classification Sherloc (09022015). Collection method: clinical testing. Allele origin: germline.

Laboratory for Molecular Medicine, Mass General Brigham Personalized Medicine
Classification: Benign. Last evaluated: 2016-03-29. Review status: criteria provided, single submitter. Criteria: LMM Criteria. Collection method: clinical testing. Allele origin: germline.
Comment: Variant identified in a genome or exome case(s) and assessed due to predicted null impact of the variant or pathogenic assertions in the literature or databases. Disclaimer: This variant has not undergone full assessment. The following are preliminary notes: Frequency